The following is an entry in ClinVar:

NM_005751.5(AKAP9):c.9434A>G (p.Asp3145Gly)

Gene: AKAP9 (A-kinase anchoring protein 9; plus strand). Cytogenetic location: 7q21.2.
Variant type: single nucleotide variant.
Coding change: c.9434A>G on transcript NM_005751.5 (MANE Select); coding-DNA position 9434, A replaced by G.
Protein change: p.Asp3145Gly; replaces aspartic acid 3145 with glycine.
Molecular consequence: missense variant.
Genome position (GRCh38, 1-based): chr7:92,093,172, A>G. VCF-style: chr7-92093172-A-G. GRCh37 (hg19) VCF-style: chr7-91722486-A-G.
Other names: c.4079A>G, p.Asp1360Gly (NM_001379277.1); c.9410A>G, p.Asp3137Gly (NM_147185.3); short protein forms D3137G, D1360G, D3145G.
Identifiers: ClinVar variation 2449780 (VCV002449780.2), dbSNP rs2535288602, ClinGen allele CA368147664.
Genomic context (GRCh38, chr7:92,093,172, plus strand): 5'-ATATACAGCAGAAGCAGTCTCAAATGCTGGAGATGCAAGTGGAGCTCAGCAGTATGAAAG[A>G]CAGAGCAACGGAACTGCAGGAGCAGCTGAGTTCTGAGAAAATGGTGGTTGCTGAACTGAA-3'
Protein context (NP_005742.4, residues 3135-3155): EMQVELSSMK[Asp3145Gly]RATELQEQLS

ClinVar aggregate classification (germline): Uncertain significance (1 of 4 stars; one submission).

Conditions:
Cardiovascular phenotype. Identifiers: MedGen CN230736.

Allele frequency attached by ClinVar (database versions not stated): gnomAD exomes below 0.00001.
gnomAD v4.1: 1 of 1,614,212 alleles (0.000062%); highest among the groups gnomAD compares: Non-Finnish European, 0.000085%; no homozygotes.

Submission:

Ambry Genetics
Classification: Uncertain significance for Cardiovascular phenotype. Last evaluated: 2023-02-14. Review status: criteria provided, single submitter. Criteria: Ambry Variant Classification Scheme 2023. Collection method: clinical testing. Allele origin: germline.
Comment: The p.D3145G variant (also known as c.9434A>G), located in coding exon 39 of the AKAP9 gene, results from an A to G substitution at nucleotide position 9434. The aspartic acid at codon 3145 is replaced by glycine, an amino acid with similar properties. This amino acid position is conserved. In addition, this alteration is predicted to be tolerated by in silico analysis. Since supporting evidence is limited at this time, the clinical significance of this alteration remains unclear.